The following is an entry in ClinVar:

NM_002047.4(GARS1):c.2042C>T (p.Pro681Leu)

Gene: GARS1 (glycyl-tRNA synthetase 1; plus strand). Cytogenetic location: 7p14.3.
Variant type: single nucleotide variant.
Coding change: c.2042C>T on transcript NM_002047.4 (MANE Select); coding-DNA position 2042, C replaced by T.
Protein change: p.Pro681Leu; replaces proline 681 with leucine.
Molecular consequence: missense variant.
Genome position (GRCh38, 1-based): chr7:30,632,385, C>T. VCF-style: chr7-30632385-C-T. GRCh37 (hg19) VCF-style: chr7-30672001-C-T.
Other names: c.1880C>T, p.Pro627Leu (NM_001316772.1); c.2042C>T (LRG_243t1); short protein forms P681L, P627L.
Identifiers: ClinVar variation 246654 (VCV000246654.13), dbSNP rs879254346, ClinGen allele CA10584677.

ClinVar aggregate classification (germline): Uncertain significance. Review status: criteria provided, multiple submitters, no conflicts (2 of 4 stars). 4 submissions from 4 submitters: Uncertain significance (4). Last evaluated 2024-07-09.

Conditions:
Charcot-Marie-Tooth disease type 2D (CMT2D). Also called: Charcot-Marie-Tooth Neuropathy Type 2D; CHARCOT-MARIE-TOOTH DISEASE, AXONAL, TYPE 2D; CHARCOT-MARIE-TOOTH DISEASE, NEURONAL, TYPE 2D; GARS1 Adolescent- or Early Adult-Onset Hereditary Motor/Sensory Neuropathy (GARS1-HMSN). Identifiers: Orphanet 99938, MedGen C1832274, MONDO:0011091, OMIM 601472.
Neuronopathy, distal hereditary motor, type 5A (HMND5). Also called: Distal Spinal Muscular Atrophy V; DHMN VA; Distal Spinal Muscular Atrophy V (dSMA-V); NEURONOPATHY, DISTAL HEREDITARY MOTOR, AUTOSOMAL DOMINANT 5. Identifiers: Orphanet 139536, MedGen CN031873, MONDO:0015353, OMIM 600794.
Charcot-Marie-Tooth disease type 2. Also called: Charcot-Marie-Tooth type 2. Identifiers: Orphanet 64746, MedGen C0270914, MONDO:0018993.

Allele frequency attached by ClinVar (database versions not stated): gnomAD 0.00001; TOPMed 0.00001; gnomAD exomes below 0.00001.
gnomAD v4.1: 26 of 1,614,028 alleles (0.0016%); highest among the groups gnomAD compares: Non-Finnish European, 0.0022%; no homozygotes.

Submissions (4):

GeneDx
Classification: Uncertain significance. Last evaluated: 2024-07-09. Review status: criteria provided, single submitter. Criteria: GeneDx Variant Classification Process June 2021. Collection method: clinical testing. Allele origin: germline. Affected: yes.
Comment: Reported in a patient with a suspected diagnosis of Charcot-Marie-Tooth disease; however, no further clinical or segregation information was provided (PMID: 32376792); Not observed at significant frequency in large population cohorts (gnomAD); In silico analysis supports that this missense variant has a deleterious effect on protein structure/function; This variant is associated with the following publications: (PMID: 32376792)

Labcorp Genetics (formerly Invitae), Labcorp
Classification: Uncertain significance for Charcot-Marie-Tooth disease type 2. Last evaluated: 2023-08-27. Review status: criteria provided, single submitter. Criteria: Invitae Variant Classification Sherloc (09022015). Collection method: clinical testing. Allele origin: germline.
Comment: This sequence change replaces proline, which is neutral and non-polar, with leucine, which is neutral and non-polar, at codon 681 of the GARS protein (p.Pro681Leu). This variant is present in population databases (no rsID available, gnomAD 0.0009%). This missense change has been observed in individual(s) with clinical features of Charcot-Marie-Tooth disease (PMID: 32376792). ClinVar contains an entry for this variant (Variation ID: 246654). Advanced modeling of protein sequence and biophysical properties (such as structural, functional, and spatial information, amino acid conservation, physicochemical variation, residue mobility, and thermodynamic stability) has been performed at Invitae for this missense variant, however the output from this modeling did not meet the statistical confidence thresholds required to predict the impact of this variant on GARS protein function. In summary, the available evidence is currently insufficient to determine the role of this variant in disease. Therefore, it has been classified as a Variant of Uncertain Significance.

Ambry Genetics
Classification: Uncertain significance. Last evaluated: 2022-08-24. Review status: criteria provided, single submitter. Criteria: Ambry Variant Classification Scheme 2023. Collection method: clinical testing. Allele origin: germline.
Comment: The p.P681L variant (also known as c.2042C>T), located in coding exon 16 of the GARS gene, results from a C to T substitution at nucleotide position 2042. The proline at codon 681 is replaced by leucine, an amino acid with similar properties. This variant was identified in one allele in a Charcot-Marie Tooth cohort (Volodarsky M et al. J Med Genet, 2021 04;58:284-288). This amino acid position is highly conserved in available vertebrate species. In addition, the in silico prediction for this alteration is inconclusive. Since supporting evidence is limited at this time, the clinical significance of this alteration remains unclear.

Mayo Clinic Laboratories, Mayo Clinic
Classification: Uncertain significance for Charcot-Marie-Tooth disease type 2D; Neuronopathy, distal hereditary motor, type 5A. Last evaluated: 2017-08-11. Review status: criteria provided, single submitter. Criteria: ACMG Guidelines, 2015. Collection method: clinical testing. Allele origin: maternal.

Literature cited by the submitters: PubMed 32376792 (cited by Labcorp Genetics (formerly Invitae), Labcorp and Ambry Genetics).